The following is an entry in ClinVar:

NM_022166.4(XYLT1):c.2504C>T (p.Thr835Ile)

Gene: XYLT1 (xylosyltransferase 1; minus strand). Cytogenetic location: 16p12.3.
Variant type: single nucleotide variant.
Coding change: c.2504C>T on transcript NM_022166.4 (MANE Select); coding-DNA position 2504, C replaced by T.
Protein change: p.Thr835Ile; replaces threonine 835 with isoleucine.
Molecular consequence: missense variant.
Genome position (GRCh38, 1-based): chr16:17,117,699, G>A on the plus strand (C>T on the coding strand, the complement: XYLT1 is on the minus strand). VCF-style: chr16-17117699-G-A. GRCh37 (hg19) VCF-style: chr16-17211556-G-A.
Other names: short protein forms T835I.
Identifiers: ClinVar variation 1040906 (VCV001040906.6), dbSNP rs372741635, ClinGen allele CA279078921.
Genomic context (GRCh38, chr16:17,117,699, plus strand): 5'-TACTTACCAGGTTTGATGGGCTGCCTGTTCGAGAAGGTCAGAGGCGCAACGAGGAATTTG[G>A]TCTCTGCAACTGGCACCCAGTGGTGGAGAATTTTCACTGTCCAGACCCCAGGCCTCAGGG-3'
Protein context (NP_071449.1, residues 825-845): ILHHWVPVAE[Thr835Ile]KFLVAPLTFS

ClinVar aggregate classification (germline): Uncertain significance (1 of 4 stars; one submission).

Conditions:
Desbuquois dysplasia 1 (DBQD1). Also called: DESBUQUOIS DYSPLASIA 1, KIM VARIANT; MICROMELIC DWARFISM WITH VERTEBRAL AND METAPHYSEAL ABNORMALITIES AND ADVANCED CARPOTARSAL OSSIFICATION. Identifiers: Orphanet 1425, MedGen C4012146, MONDO:0009629, OMIM 251450.

Allele frequency attached by ClinVar (database versions not stated): gnomAD exomes below 0.00001 and 0.00003; gnomAD 0.00003 and 0.00004; TOPMed 0.00003; ESP Exome Variant Server 0.00008.
gnomAD v4.1: 47 of 1,614,036 alleles (0.0029%); highest among the groups gnomAD compares: Non-Finnish European, 0.0037%; no homozygotes.

Submission:

Labcorp Genetics (formerly Invitae), Labcorp
Classification: Uncertain significance for Desbuquois dysplasia 1. Last evaluated: 2021-08-28. Review status: criteria provided, single submitter. Criteria: Invitae Variant Classification Sherloc (09022015). Collection method: clinical testing. Allele origin: germline.
Comment: This sequence change replaces threonine with isoleucine at codon 835 of the XYLT1 protein (p.Thr835Ile). The threonine residue is highly conserved and there is a moderate physicochemical difference between threonine and isoleucine. This variant is not present in population databases (ExAC no frequency). This variant has not been reported in the literature in individuals affected with XYLT1-related conditions. Algorithms developed to predict the effect of missense changes on protein structure and function (SIFT, PolyPhen-2, Align-GVGD) all suggest that this variant is likely to be tolerated. In summary, the available evidence is currently insufficient to determine the role of this variant in disease. Therefore, it has been classified as a Variant of Uncertain Significance.